The following is an entry in ClinVar:

ClinVar aggregate classification (germline): Uncertain significance. Review status: criteria provided, multiple submitters, no conflicts (2 of 4 stars). 5 submissions from 5 submitters: Uncertain significance (5). Last evaluated 2026-06-25.

Conditions:
ATM-related disorder. Also called: ATM-related disorders; ATM-related condition.
Hereditary cancer-predisposing syndrome. Also called: Neoplastic Syndromes, Hereditary; Hereditary Cancer Syndrome; Tumor predisposition; Hereditary neoplastic syndrome. Identifiers: Orphanet 140162, MedGen C0027672, MeSH D009386, MONDO:0015356.
Ataxia-telangiectasia syndrome (AT). Also called: Ataxia-telangiectasia, complementation group D; Ataxia-telangiectasia, complementation group E; LOUIS-BAR SYNDROME; Cerebello-oculocutaneous telangiectasia; Immunodeficiency with ataxia telangiectasia; AT, COMPLEMENTATION GROUP C. Identifiers: Orphanet 100, MedGen C0004135, MONDO:0008840, OMIM 208900.

Allele frequency attached by ClinVar (database versions not stated): gnomAD exomes below 0.00001; ExAC 0.00001.
gnomAD v4.1: 2 of 1,613,140 alleles (0.00012%); highest among the groups gnomAD compares: Non-Finnish European, 0.000085%; no homozygotes.

Submissions (5):

PreventionGenetics, part of Exact Sciences
Classification: Uncertain significance for ATM-related condition. Last evaluated: 2026-06-25. Review status: criteria provided, single submitter. Criteria: ACMG Guidelines, 2015. Collection method: clinical testing. Allele origin: germline.
Comment: The ATM c.3092A>G variant is predicted to result in the amino acid substitution p.Glu1031Gly. This variant has been reported in a control individual in a large study of breast cancer risk genes (Breast Cancer Association Consortium et al. 2021. PubMed ID: 33471991). This variant is reported in 0.00088% of alleles in individuals of European (Non-Finnish) descent in gnomAD and is classified as uncertain in ClinVar (Variation ID: 479095). At this time, the clinical significance of this variant is uncertain due to the absence of conclusive functional and genetic evidence.

Labcorp Genetics (formerly Invitae), Labcorp
Classification: Uncertain significance for Ataxia-telangiectasia syndrome. Last evaluated: 2024-02-17. Review status: criteria provided, single submitter. Criteria: Invitae Variant Classification Sherloc (09022015). Collection method: clinical testing. Allele origin: germline.
Comment: This sequence change replaces glutamic acid, which is acidic and polar, with glycine, which is neutral and non-polar, at codon 1031 of the ATM protein (p.Glu1031Gly). This variant is present in population databases (rs758708495, gnomAD 0.0009%). This variant has not been reported in the literature in individuals affected with ATM-related conditions. ClinVar contains an entry for this variant (Variation ID: 479095). An algorithm developed to predict the effect of missense changes on protein structure and function (PolyPhen-2) suggests that this variant is likely to be tolerated. RNA analysis performed to evaluate the impact of this missense change on mRNA splicing indicates it does not significantly alter splicing (Invitae). In summary, the available evidence is currently insufficient to determine the role of this variant in disease. Therefore, it has been classified as a Variant of Uncertain Significance.

Ambry Genetics
Classification: Uncertain significance for Hereditary cancer-predisposing syndrome. Last evaluated: 2023-11-16. Review status: criteria provided, single submitter. Criteria: Ambry Variant Classification Scheme 2023. Collection method: clinical testing. Allele origin: germline.
Comment: The p.E1031G variant (also known as c.3092A>G), located in coding exon 20 of the ATM gene, results from an A to G substitution at nucleotide position 3092. The glutamic acid at codon 1031 is replaced by glycine, an amino acid with similar properties. This amino acid position is well conserved in available vertebrate species. In addition, this alteration is predicted to be tolerated by in silico analysis. Since supporting evidence is limited at this time, the clinical significance of this alteration remains unclear.

Color Diagnostics, LLC DBA Color Health
Classification: Uncertain significance for Hereditary cancer-predisposing syndrome. Last evaluated: 2022-02-17. Review status: criteria provided, single submitter. Criteria: ACMG Guidelines, 2015. Collection method: clinical testing. Allele origin: germline.
Comment: This missense variant replaces glutamic acid with glycine at codon 1031 of the ATM protein. Computational prediction suggests that this variant may not impact protein structure and function (internally defined REVEL score threshold <= 0.5, PMID: 27666373). To our knowledge, functional studies have not been reported for this variant. This variant has not been reported in individuals affected with hereditary cancer in the literature. In a large international case-control study, this variant was reported in 0/60466 breast cancer cases and 1/53460 controls (PMID: 33471991). This variant has been identified in 1/251240 chromosomes in the general population by the Genome Aggregation Database (gnomAD). The available evidence is insufficient to determine the role of this variant in disease conclusively. Therefore, this variant is classified as a Variant of Uncertain Significance.

GeneDx
Classification: Uncertain significance. Last evaluated: 2019-10-24. Review status: criteria provided, single submitter. Criteria: GeneDx Variant Classification Process June 2021. Collection method: clinical testing. Allele origin: germline. Affected: yes.
Comment: Not observed at a significant frequency in large population cohorts (Lek 2016); In silico analysis, which includes protein predictors and evolutionary conservation, supports a deleterious effect; Has not been previously published as pathogenic or benign to our knowledge

Literature cited by the submitters: PubMed 33471991 (cited by Color Diagnostics, LLC DBA Color Health).

NM_000051.4(ATM):c.3092A>G (p.Glu1031Gly)

Gene: ATM (ATM serine/threonine kinase; plus strand). Cytogenetic location: 11q22.3.
Variant type: single nucleotide variant.
Coding change: c.3092A>G on transcript NM_000051.4 (MANE Select); coding-DNA position 3092, A replaced by G.
Protein change: p.Glu1031Gly; replaces glutamic acid 1031 with glycine.
Molecular consequence: missense variant.
Genome position (GRCh38, 1-based): chr11:108,272,546, A>G. VCF-style: chr11-108272546-A-G. GRCh37 (hg19) VCF-style: chr11-108143273-A-G.
Other names: c.3092A>G, p.Glu1031Gly (NM_001351834.2); short protein forms E1031G.
Identifiers: ClinVar variation 479095 (VCV000479095.22), dbSNP rs758708495, ClinGen allele CA6265194.
Genomic context (GRCh38, chr11:108,272,546, plus strand): 5'-TTTATCAGAATGATTATTTAACTTTGGAAAACTTACTTGATTTCAGGCATCTAACAAAGG[A>G]GAGGAAATATATATTCTCTGTAAGAATGGCCCTAGTAAATTGCCTTAAAACTTTGCTTGA-3'
Protein context (NP_000042.3, residues 1021-1041): VIGAFWHLTK[Glu1031Gly]RKYIFSVRMA